The following is an entry in ClinVar:

NM_016333.4(SRRM2):c.5195C>G (p.Ser1732Cys)

Gene: SRRM2 (serine/arginine repetitive matrix 2; plus strand). Cytogenetic location: 16p13.3.
Variant type: single nucleotide variant.
Coding change: c.5195C>G on transcript NM_016333.4 (MANE Select); coding-DNA position 5195, C replaced by G.
Protein change: p.Ser1732Cys; replaces serine 1732 with cysteine.
Molecular consequence: missense variant.
Genome position (GRCh38, 1-based): chr16:2,765,723, C>G. VCF-style: chr16-2765723-C-G. GRCh37 (hg19) VCF-style: chr16-2815724-C-G.
Other names: short protein forms S1732C.
Identifiers: ClinVar variation 5008922 (VCV005008922.1).

ClinVar aggregate classification (germline): Uncertain significance (1 of 4 stars; one submission).

Submission:

GeneDx
Classification: Uncertain significance. Last evaluated: 2026-03-11. Review status: criteria provided, single submitter. Criteria: GeneDx Variant Classification Process June 2021. Collection method: clinical testing. Allele origin: germline.
Comment: Not observed at significant frequency in large population cohorts (gnomAD); In silico analysis suggests that this missense variant does not alter protein structure/function; Has not been previously published as pathogenic or benign to our knowledge